The following is an entry in ClinVar:

NM_001042492.3(NF1):c.6642+26C>G

Gene: NF1 (neurofibromin 1; plus strand). Cytogenetic location: 17q11.2.
Variant type: single nucleotide variant.
Coding change: c.6642+26C>G on transcript NM_001042492.3 (MANE Select); 26 bases into the intron after coding-DNA position 6642, C replaced by G.
Molecular consequence: intron variant.
Genome position (GRCh38, 1-based): chr17:31,337,608, C>G. VCF-style: chr17-31337608-C-G. GRCh37 (hg19) VCF-style: chr17-29664626-C-G.
Other names: c.6579+26C>G (NM_000267.3, NM_000267.4).
Identifiers: ClinVar variation 2737810 (VCV002737810.4), dbSNP rs2151556776, ClinGen allele CA2695225150.

ClinVar aggregate classification (germline): Pathogenic (1 of 4 stars; one submission).
ClinVar aggregate classification (oncogenicity): Uncertain significance (1 of 4 stars; one submission).

Conditions:
Neurofibromatosis, type 1 (NF1). Also called: NEUROFIBROMATOSIS, TYPE I, SOMATIC; Neurofibromatosis, type I; VON RECKLINGHAUSEN DISEASE; Peripheral type neurofibromatosis. Identifiers: Orphanet 636, MedGen C0027831, MONDO:0018975, OMIM 162200. Disease mechanism: loss of function.
Neoplasm. Also called: tumor; Neoplasms; Neoplasm (disease). Identifiers: MedGen C0027651, MeSH D009369, MONDO:0005070, HP:0002664.

Submissions (2):

Center for Genomic Medicine, Rigshospitalet, Copenhagen University Hospital
Classification: Uncertain significance for Neoplasm. Last evaluated: 2026-10-16. Review status: criteria provided, single submitter. Criteria: ClinGen/CGC/VICC Guidelines for Oncogenicity, 2022. Collection method: clinical testing. Allele origin: somatic. Affected: yes.

Labcorp Genetics (formerly Invitae), Labcorp
Classification: Pathogenic for Neurofibromatosis, type 1. Last evaluated: 2024-03-04. Review status: criteria provided, single submitter. Criteria: Invitae Variant Classification Sherloc (09022015). Collection method: clinical testing. Allele origin: germline.
Comment: This sequence change falls in intron 42 of the NF1 gene. It does not directly change the encoded amino acid sequence of the NF1 protein. This variant is not present in population databases (gnomAD no frequency). This variant has been observed in individual(s) with clinical features of NF1-related conditions (PMID: 31573083; Invitae). In at least one individual the variant was observed to be de novo. Algorithms developed to predict the effect of sequence changes on RNA splicing suggest that this variant may disrupt the consensus splice site. For these reasons, this variant has been classified as Pathogenic.

Literature cited by the submitters: PubMed 31573083 (cited by Center for Genomic Medicine, Rigshospitalet, Copenhagen University Hospital and Labcorp Genetics (formerly Invitae), Labcorp).